The following is an entry in ClinVar:

ClinVar aggregate classification (germline): Pathogenic (1 of 4 stars; one submission).

Conditions:
Osteogenesis imperfecta type I (OI1). Also called: Lobstein disease; Classic Non-deforming Osteogenesis Imperfecta with Blue Sclerae; OI, TYPE I; OSTEOGENESIS IMPERFECTA TARDA; OSTEOGENESIS IMPERFECTA WITH BLUE SCLERAE; Osteogenesis imperfecta type 1. Identifiers: Orphanet 216796, Orphanet 666, MedGen C0023931, MONDO:0008146, OMIM 166200. Disease mechanism: loss of function.

Submission:

Labcorp Genetics (formerly Invitae), Labcorp
Classification: Pathogenic for Osteogenesis imperfecta type I. Last evaluated: 2020-11-04. Review status: criteria provided, single submitter. Criteria: Invitae Variant Classification Sherloc (09022015). Collection method: clinical testing. Allele origin: germline.
Comment: This sequence change creates a premature translational stop signal (p.Ala195Hisfs*70) in the COL1A1 gene. It is expected to result in an absent or disrupted protein product. Loss-of-function variants in COL1A1 are known to be pathogenic (PMID: 7942841, 9295084, 9443882). This variant is not present in population databases (ExAC no frequency). This variant has not been reported in the literature in individuals with COL1A1-related conditions. For these reasons, this variant has been classified as Pathogenic.

Literature cited by the submitters: PubMed 7942841; PubMed 9295084; PubMed 9443882.

NM_000088.4(COL1A1):c.582del (p.Ala195fs)

Gene: COL1A1 (collagen type I alpha 1 chain; minus strand). Cytogenetic location: 17q21.33.
Variant type: Deletion.
Coding change: c.582del on transcript NM_000088.4 (MANE Select); coding-DNA position 582, one base deleted (T; older notation c.582delT).
Protein change: p.Ala195fs; shifts the reading frame from alanine 195.
Molecular consequence: frameshift variant.
Genome position (GRCh38, 1-based): chr17:50,198,167, A deleted on the plus strand (T on the coding strand, the reverse complement: COL1A1 is on the minus strand). VCF-style (leftmost placement, unchanged base first): chr17-50198166-CA-C. GRCh37 (hg19) VCF-style: chr17-48275527-CA-C.
Other names: short protein forms A195fs.
Identifiers: ClinVar variation 1455283 (VCV001455283.1), dbSNP rs2144587690, ClinGen allele CA2573154230.
Genomic context (GRCh38, chr17:50,198,166, plus strand): 5'-TCCCTCCAAAAGACCAAAGCCCAAGGAGGCATATGAAGACGTCCTGGATACTCACAGGTG[CA>C]CCAGGGGGGCCAGGGAGACCACGAGGACCAGAGGGACCCTATAGAGGGAGAAGAAAGGGG-3'